The following is an entry in ClinVar:

NM_001042492.3(NF1):c.2663A>G (p.Asp888Gly)

Gene: NF1 (neurofibromin 1; plus strand). Cytogenetic location: 17q11.2.
Variant type: single nucleotide variant.
Coding change: c.2663A>G on transcript NM_001042492.3 (MANE Select); coding-DNA position 2663, A replaced by G.
Protein change: p.Asp888Gly; replaces aspartic acid 888 with glycine.
Molecular consequence: missense variant.
Genome position (GRCh38, 1-based): chr17:31,229,278, A>G. VCF-style: chr17-31229278-A-G. GRCh37 (hg19) VCF-style: chr17-29556296-A-G.
Other names: c.2663A>G, p.Asp888Gly (NM_000267.4); short protein forms D888G.
Identifiers: ClinVar variation 2677175 (VCV002677175.4), dbSNP rs2151429388, ClinGen allele CA398984811.
Genomic context (GRCh38, chr17:31,229,278, plus strand): 5'-GTCCAGTCAGTGAACGTAAGGGTTCTATGATTTCAGTGATGTCTTCAGAGGGAAACGCAG[A>G]TACACCTGTCAGCAAATTTATGGATCGGCTGTTGTCCTTAATGGTGTGTAACCATGAGAA-3'
Protein context (NP_001035957.1, residues 878-898): ISVMSSEGNA[Asp888Gly]TPVSKFMDRL

ClinVar aggregate classification (germline): Uncertain significance. Review status: criteria provided, multiple submitters, no conflicts (2 of 4 stars). 3 submissions from 3 submitters: Uncertain significance (3). Last evaluated 2026-06-18.

Conditions:
Juvenile myelomonocytic leukemia (JMML). Also called: LEUKEMIA, JUVENILE MYELOMONOCYTIC, SOMATIC. Identifiers: Orphanet 86834, MedGen C0349639, MONDO:0011908, OMIM 607785, HP:0012209.
Cardiovascular phenotype. Identifiers: MedGen CN230736.
Hereditary cancer-predisposing syndrome. Also called: Hereditary neoplastic syndrome; Hereditary Cancer Syndrome; Neoplastic Syndromes, Hereditary; Tumor predisposition. Identifiers: Orphanet 140162, MedGen C0027672, MeSH D009386, MONDO:0015356.
Neurofibromatosis, type 1 (NF1). Also called: VON RECKLINGHAUSEN DISEASE; Neurofibromatosis, type I; Peripheral type neurofibromatosis; NEUROFIBROMATOSIS, TYPE I, SOMATIC. Identifiers: Orphanet 636, MedGen C0027831, MONDO:0018975, OMIM 162200. Disease mechanism: loss of function.

Submissions (3):

Ambry Genetics
Classification: Uncertain significance for Cardiovascular phenotype; Hereditary cancer-predisposing syndrome. Last evaluated: 2026-06-18. Review status: criteria provided, single submitter. Criteria: Ambry Variant Classification Scheme 2023. Collection method: clinical testing. Allele origin: germline.
Comment: The p.D888G variant (also known as c.2663A>G), located in coding exon 21 of the NF1 gene, results from an A to G substitution at nucleotide position 2663. The aspartic acid at codon 888 is replaced by glycine, an amino acid with similar properties. This variant was reported in individual(s) with features consistent with Neurofibromatosis type 1 (Bongiorno MR et al. Dermatol Ther, 2008;21 Suppl 3:S21-5). This amino acid position is not well conserved in available vertebrate species. In addition, the in silico prediction for this alteration is inconclusive. Based on the available evidence, the clinical significance of this variant remains unclear.

Labcorp Genetics (formerly Invitae), Labcorp
Classification: Uncertain significance for Neurofibromatosis, type 1. Last evaluated: 2024-11-21. Review status: criteria provided, single submitter. Criteria: Invitae Variant Classification Sherloc (09022015). Collection method: clinical testing. Allele origin: germline.
Comment: This sequence change replaces aspartic acid, which is acidic and polar, with glycine, which is neutral and non-polar, at codon 888 of the NF1 protein (p.Asp888Gly). This variant is not present in population databases (gnomAD no frequency). This missense change has been observed in individual(s) with neurofibromatosis type 1 (PMID: 19076627). ClinVar contains an entry for this variant (Variation ID: 2677175). Invitae Evidence Modeling of protein sequence and biophysical properties (such as structural, functional, and spatial information, amino acid conservation, physicochemical variation, residue mobility, and thermodynamic stability) indicates that this missense variant is not expected to disrupt NF1 protein function with a negative predictive value of 95%. In summary, the available evidence is currently insufficient to determine the role of this variant in disease. Therefore, it has been classified as a Variant of Uncertain Significance.

Baylor Genetics
Classification: Uncertain significance for Juvenile myelomonocytic leukemia. Last evaluated: 2023-10-15. Review status: criteria provided, single submitter. Criteria: ACMG Guidelines, 2015. Collection method: clinical testing. Allele origin: unknown.

Literature cited by the submitters: PubMed 19076627 (cited by Ambry Genetics and Labcorp Genetics (formerly Invitae), Labcorp).